The following is an entry in ClinVar:

NM_001378156.1(C1QB):c.77A>G (p.Gln26Arg)

Gene: C1QB (complement C1q B chain; plus strand). Cytogenetic location: 1p36.12.
Variant type: single nucleotide variant.
Coding change: c.77A>G on transcript NM_001378156.1 (MANE Select); coding-DNA position 77, A replaced by G.
Protein change: p.Gln26Arg; replaces glutamine 26 with arginine.
Molecular consequence: missense variant.
Genome position (GRCh38, 1-based): chr1:22,659,539, A>G. VCF-style: chr1-22659539-A-G. GRCh37 (hg19) VCF-style: chr1-22986032-A-G.
Other names: c.83A>G, p.Gln28Arg (NM_000491.5); c.77A>G, p.Gln26Arg (NM_001371184.3); short protein forms Q28R, Q26R.
Identifiers: ClinVar variation 2714900 (VCV002714900.3), dbSNP rs1167283790, ClinGen allele CA338944458.

ClinVar aggregate classification (germline): Uncertain significance (1 of 4 stars; one submission).

Allele frequency attached by ClinVar (database versions not stated): gnomAD exomes 0.00001.
gnomAD v4.1: 11 of 1,614,076 alleles (0.00068%); highest among the groups gnomAD compares: Non-Finnish European, 0.00093%; no homozygotes.

Submission:

Labcorp Genetics (formerly Invitae), Labcorp
Classification: Uncertain significance. Last evaluated: 2024-01-31. Review status: criteria provided, single submitter. Criteria: Invitae Variant Classification Sherloc (09022015). Collection method: clinical testing. Allele origin: germline.
Comment: This sequence change replaces glutamine, which is neutral and polar, with arginine, which is basic and polar, at codon 28 of the C1QB protein (p.Gln28Arg). This variant is present in population databases (no rsID available, gnomAD 0.0009%). This variant has not been reported in the literature in individuals affected with C1QB-related conditions. An algorithm developed to predict the effect of missense changes on protein structure and function (PolyPhen-2) suggests that this variant is likely to be tolerated. In summary, the available evidence is currently insufficient to determine the role of this variant in disease. Therefore, it has been classified as a Variant of Uncertain Significance.